The following is an entry in ClinVar:

ClinVar aggregate classification (germline): Uncertain significance (1 of 4 stars; one submission).

Submission:

GeneDx
Classification: Uncertain significance. Last evaluated: 2023-11-02. Review status: criteria provided, single submitter. Criteria: GeneDx Variant Classification Process June 2021. Collection method: clinical testing. Allele origin: germline. Affected: yes.
Comment: Not observed at significant frequency in large population cohorts (gnomAD); In silico analysis supports that this missense variant does not alter protein structure/function; Has not been previously published as pathogenic or benign to our knowledge

NM_003482.4(KMT2D):c.2784G>C (p.Gln928His)

Gene: KMT2D (lysine methyltransferase 2D; minus strand). Cytogenetic location: 12q13.12.
Variant type: single nucleotide variant.
Coding change: c.2784G>C on transcript NM_003482.4 (MANE Select); coding-DNA position 2784, G replaced by C.
Protein change: p.Gln928His; replaces glutamine 928 with histidine.
Molecular consequence: missense variant.
Genome position (GRCh38, 1-based): chr12:49,050,899, C>G on the plus strand (G>C on the coding strand, the complement: KMT2D is on the minus strand). VCF-style: chr12-49050899-C-G. GRCh37 (hg19) VCF-style: chr12-49444682-C-G.
Other names: short protein forms Q928H.
Identifiers: ClinVar variation 3363563 (VCV003363563.1).
Genomic context (GRCh38, chr12:49,050,899, plus strand): 5'-AAGAGTTACAGCTGTTCCAGAATAACAGAGTACTAACATCCCCTTACCTGGTGGCATCAG[C>G]TGAGGCGACAAGGATGGCTCCCCAGATGGGGACAACGGCAGCTCCTCGGGCAGAGGGGAC-3'
Protein context (NP_003473.3, residues 918-938): SPSGEPSLSP[Gln928His]LMPPDPLPPP